The following is an entry in ClinVar:

ClinVar aggregate classification (germline): Pathogenic. Review status: criteria provided, single submitter (1 of 4 stars). 2 submissions from 1 submitter: Pathogenic (2). Last evaluated 2021-06-10.

Conditions:
ARID1B-related BAFopathy.
Coffin-Siris syndrome 1 (CSS1). Also called: ARID1B-Related Coffin-Siris Syndrome; Mental retardation, autosomal dominant 12. Identifiers: Orphanet 1465, MedGen C3281201, MONDO:0007617, OMIM 135900. Disease mechanism: gain of function.

Submissions (2):

Baylor Genetics
Classification: Pathogenic for ARID1B-related BAFopathy. Last evaluated: 2021-06-10. Review status: criteria provided, single submitter. Criteria: ACMG Guidelines, 2015. Collection method: clinical testing. Allele origin: de novo. Affected: yes.

Baylor Genetics
Classification: Pathogenic for Coffin-Siris syndrome 1. Last evaluated: 2018-04-26. Review status: criteria provided, single submitter. Criteria: ACMG Guidelines, 2015. Collection method: clinical testing. Allele origin: de novo. Affected: yes.
Comment: This variant was determined to be pathogenic according to ACMG Guidelines, 2015 [PMID:25741868].

NM_001374828.1(ARID1B):c.3126del (p.Met1043fs)

Gene: ARID1B (AT-rich interaction domain 1B; plus strand). Cytogenetic location: 6q25.3.
Variant type: Deletion.
Coding change: c.3126del on transcript NM_001374828.1 (MANE Select); coding-DNA position 3126, one base deleted (T; older notation c.3126delT).
Protein change: p.Met1043fs; shifts the reading frame from methionine 1043.
Molecular consequence: frameshift variant.
Genome position (GRCh38, 1-based): chr6:157,167,076, T deleted; the last of 2 consecutive T bases (chr6:157,167,075-157,167,076); deleting either gives the same sequence. VCF-style (leftmost placement, unchanged base first): chr6-157167074-CT-C. GRCh37 (hg19) VCF-style: chr6-157488208-CT-C.
Other names: c.627del, p.Met210fs (NM_001363725.2); c.3165del, p.Met1056fs (NM_001371656.1, NM_001374820.1); c.3126del, p.Met1043fs (NM_017519.3); c.2916del (NM_020732.3); c.2916delT (NM_020732.3); short protein forms M1043fs, M1056fs, M210fs.
Identifiers: ClinVar variation 1033954 (VCV001033954.2), dbSNP rs1791374798, ClinGen allele CA1675530881.